The following is an entry in ClinVar:

ClinVar aggregate classification (germline): Uncertain significance (1 of 4 stars; one submission).

Conditions:
CREBBP-related disorder. Also called: CREBBP-related condition; CREBBP-related disorders.

gnomAD v4.1: 4 of 1,614,210 alleles (0.00025%); highest among the groups gnomAD compares: Non-Finnish European, 0.00034%; no homozygotes.

Submission:

PreventionGenetics, part of Exact Sciences
Classification: Uncertain significance for CREBBP-related condition. Last evaluated: 2025-02-10. Review status: criteria provided, single submitter. Criteria: ACMG Guidelines, 2015. Collection method: clinical testing. Allele origin: germline.
Comment: The CREBBP c.2900G>A variant is predicted to result in the amino acid substitution p.Ser967Asn. To our knowledge, this variant has not been reported in the literature. This variant is reported in 0.0018% of alleles in individuals of European (Non-Finnish) descent in gnomAD. At this time, the clinical significance of this variant is uncertain due to the absence of conclusive functional and genetic evidence.

NM_004380.3(CREBBP):c.2900G>A (p.Ser967Asn)

Gene: CREBBP (CREB binding lysine acetyltransferase; minus strand). Cytogenetic location: 16p13.3.
Variant type: single nucleotide variant.
Coding change: c.2900G>A on transcript NM_004380.3 (MANE Select); coding-DNA position 2900, G replaced by A.
Protein change: p.Ser967Asn; replaces serine 967 with asparagine.
Molecular consequence: missense variant.
Genome position (GRCh38, 1-based): chr16:3,769,334, C>T on the plus strand (G>A on the coding strand, the complement: CREBBP is on the minus strand). VCF-style: chr16-3769334-C-T. GRCh37 (hg19) VCF-style: chr16-3819335-C-T.
Other names: c.2786G>A, p.Ser929Asn (NM_001079846.1); short protein forms S967N, S929N.
Identifiers: ClinVar variation 4997967 (VCV004997967.1).